The following continues an entry in ClinVar:

NM_000535.7(PMS2):c.2559C>G (p.Ile853Met)

Gene: PMS2. ClinVar aggregate classification (germline): Conflicting classifications of pathogenicity. Uncertain significance (10); Benign (2); Likely benign (5).

Submissions 11 to 17 of 17:

CeGaT Center for Human Genetics Tuebingen
Classification: Likely benign. Last evaluated: 2023-12-01. Review status: criteria provided, single submitter. Criteria: CeGaT Center For Human Genetics Tuebingen Variant Classification Criteria Version 2. Collection method: clinical testing. Allele origin: germline. Affected: yes. Observed: 2 variant alleles.
Comment: PMS2: PP2, BP4, BS3:Supporting

Department of Pathology and Laboratory Medicine, Sinai Health System
Classification: Likely benign for Lynch syndrome. Last evaluated: 2022-08-19. Review status: criteria provided, single submitter. Criteria: ACMG Guidelines, 2015. Collection method: clinical testing. Allele origin: germline. Affected: yes.

Revvity Omics, Revvity
Classification: Uncertain significance. Last evaluated: 2022-05-02. Review status: criteria provided, single submitter. Criteria: ACMG Guidelines, 2015. Collection method: clinical testing. Allele origin: germline.

Sema4
Classification: Uncertain significance for Hereditary cancer-predisposing syndrome. Last evaluated: 2021-12-27. Review status: criteria provided, single submitter. Criteria: Sema4 Curation Guidelines. Collection method: curation. Allele origin: germline.
Comment: The PMS2 c.2559C>G (p.I853M) variant has not been reported in individuals with PMS2-related disease. It was observed in 24/218728 chromosomes, with 2 homozygotes, in the large and broad cohorts of the Genome Aggregation Database (PMID: 32461654). This variant has been reported in ClinVar (Variation ID: 142688). Functional studies have not been performed, and in silico predictions of the variant's effect on protein function are inconclusive. The evidence is insufficient to meet ACMG/AMP criteria for classifying the variant as benign or pathogenic. Thus, the clinical significance of this variant is currently uncertain.

CHEO Genetics Diagnostic Laboratory, Children's Hospital of Eastern Ontario
Classification: Uncertain significance for Breast and/or ovarian cancer. Last evaluated: 2021-10-14. Review status: criteria provided, single submitter. Criteria: ACMG Guidelines, 2015. Collection method: clinical testing. Allele origin: germline.

Ambry Genetics
Classification: Likely benign for Hereditary cancer-predisposing syndrome. Last evaluated: 2020-01-31. Review status: criteria provided, single submitter. Criteria: Ambry Variant Classification Scheme 2023. Collection method: clinical testing. Allele origin: germline.

Laboratory for Molecular Medicine, Mass General Brigham Personalized Medicine
Classification: Uncertain significance. Last evaluated: 2017-02-06. Review status: criteria provided, single submitter. Criteria: LMM Criteria. Collection method: clinical testing. Allele origin: germline. Observed: 1 variant allele.
Comment: The p.Ile853Met variant in PMS2 has not been previously reported in individuals with Lynch syndrome, but has been identified in 7/25524 of South Asian chromosom es by the Genome Aggregation DAtabase (gnomAD; dbSNP rs371673459). Computational prediction tools and conservation analysis sug gest that the p.Ile853Met variant may not impact the protein, though this inform ation is not predictive enough to rule out pathogenicity. In summary, the clinic al significance of the p.Ile853Met variant is uncertain.

Literature cited by the submitters: PubMed 28494185 (cited by 5 submitters); PubMed 33471991 (cited by Quest Diagnostics Nichols Institute San Juan Capistrano and Color Diagnostics, LLC DBA Color Health); PubMed 29360161 (cited by 3 submitters); PubMed 27449771 (cited by Quest Diagnostics Nichols Institute San Juan Capistrano and Women's Health and Genetics/Laboratory Corporation of America, LabCorp); PubMed 25186627 (cited by 4 submitters); PubMed 38567167 (cited by Quest Diagnostics Nichols Institute San Juan Capistrano); PubMed 31391288 (cited by Quest Diagnostics Nichols Institute San Juan Capistrano and Color Diagnostics, LLC DBA Color Health); PubMed 37534630 (cited by Quest Diagnostics Nichols Institute San Juan Capistrano and Color Diagnostics, LLC DBA Color Health).